The following is an entry in ClinVar:

NM_133259.4(LRPPRC):c.2934G>T (p.Trp978Cys)

Gene: LRPPRC (leucine rich pentatricopeptide repeat containing; minus strand). Cytogenetic location: 2p21.
Variant type: single nucleotide variant.
Coding change: c.2934G>T on transcript NM_133259.4 (MANE Select); coding-DNA position 2934, G replaced by T.
Protein change: p.Trp978Cys; replaces tryptophan 978 with cysteine.
Molecular consequence: missense variant.
Genome position (GRCh38, 1-based): chr2:43,918,361, C>A on the plus strand (G>T on the coding strand, the complement: LRPPRC is on the minus strand). VCF-style: chr2-43918361-C-A. GRCh37 (hg19) VCF-style: chr2-44145500-C-A.
Other names: short protein forms W978C.
Identifiers: ClinVar variation 4686208 (VCV004686208.1).

ClinVar aggregate classification (germline): Uncertain significance (1 of 4 stars; one submission).

Submission:

GeneDx
Classification: Uncertain significance. Last evaluated: 2025-07-17. Review status: criteria provided, single submitter. Criteria: GeneDx Variant Classification Process June 2021. Collection method: clinical testing. Allele origin: germline. Affected: yes.
Comment: Not observed at significant frequency in large population cohorts (gnomAD); In silico analysis supports that this missense variant has a deleterious effect on protein structure/function; Has not been previously published as pathogenic or benign to our knowledge